The following is an entry in ClinVar:

ClinVar aggregate classification (germline): Uncertain significance (1 of 4 stars; one submission).

Conditions:
Idiopathic generalized epilepsy. Also called: Generalised epilepsy; EIG. Identifiers: MedGen C0270850, MONDO:0005579, OMIM 600669.
Hyperaldosteronism, familial, type IV (HALD4). Also called: FH IV; ALDOSTERONISM, PRIMARY, AND HYPERTENSION. Identifiers: Orphanet 642671, MedGen C4310756, MONDO:0014875, OMIM 617027.

Submission:

Labcorp Genetics (formerly Invitae), Labcorp
Classification: Uncertain significance for Idiopathic generalized epilepsy; Hyperaldosteronism, familial, type IV. Last evaluated: 2018-01-02. Review status: criteria provided, single submitter. Criteria: Invitae Variant Classification Sherloc (09022015). Collection method: clinical testing. Allele origin: germline.
Comment: In summary, the available evidence is currently insufficient to determine the role of this variant in disease. Therefore, it has been classified as a Variant of Uncertain Significance. Experimental studies and prediction algorithms are not available for this variant, and the functional significance of the deleted amino acid is currently unknown. This variant has not been reported in the literature in individuals with CACNA1H-related disease. This variant is not present in population databases (ExAC no frequency). This variant, c.5274_5276delCCT, results in the deletion of 1 amino acid of the CACNA1H protein (p.Leu1759del), but otherwise preserves the integrity of the reading frame.

NM_021098.3(CACNA1H):c.5274_5276del (p.Leu1759del)

Gene: CACNA1H (calcium voltage-gated channel subunit alpha1 H; plus strand). Cytogenetic location: 16p13.3.
Variant type: Deletion.
Coding change: c.5274_5276del on transcript NM_021098.3 (MANE Select); coding-DNA positions 5274 to 5276, 3 bases deleted (CCT; older notation c.5274_5276delCCT).
Protein change: p.Leu1759del; deletes leucine 1759.
Molecular consequence: inframe deletion.
Genome position (GRCh38, 1-based): chr16:1,216,961-1,216,963, CCT deleted; deleting any 3 consecutive bases within chr16:1,216,959-1,216,963 gives the same sequence; the c. name uses the placement nearest the transcript's 3' end. VCF-style (leftmost placement, unchanged base first): chr16-1216958-GCTC-G. GRCh37 (hg19) VCF-style: chr16-1266958-GCTC-G.
Other names: c.5256_5258del, p.Leu1753del (NM_001005407.2); short protein forms L1759del, L1753del.
Identifiers: ClinVar variation 580583 (VCV000580583.8), dbSNP rs1567552660, ClinGen allele CA891844260.
Genomic context (GRCh38, chr16:1,216,958, plus strand): 5'-CCGTCTGACCCAGCTCTGCTTCTCTCTTGTGTAGGTGGGGAACCTGGGCCTTCTTTTCAT[GCTC>G]CTGTTTTTTATCTATGCTGCGCTGGGAGTGGAGCTGTTCGGGAGGCTGGGTGAGTGGCTC-3'